The following is an entry in ClinVar:

NM_000059.4(BRCA2):c.2538A>G (p.Ser846=)

Gene: BRCA2 (BRCA2 DNA repair associated; plus strand). Cytogenetic location: 13q13.1.
Variant type: single nucleotide variant.
Coding change: c.2538A>G on transcript NM_000059.4 (MANE Select); coding-DNA position 2538, A replaced by G.
Protein change: p.Ser846=; no amino-acid change (serine 846 retained).
Molecular consequence: synonymous variant.
Genome position (GRCh38, 1-based): chr13:32,336,893, A>G. VCF-style: chr13-32336893-A-G. GRCh37 (hg19) VCF-style: chr13-32911030-A-G.
Other names: S846S.
Identifiers: ClinVar variation 51303 (VCV000051303.3), dbSNP rs11571654, ClinGen allele CA015594.

ClinVar aggregate classification (germline): Likely benign. Review status: reviewed by expert panel (3 of 4 stars). 2 submissions from 2 submitters: Likely benign (1). 1 of the submissions does not count toward it. Last evaluated 2017-06-29.

Conditions:
Breast-ovarian cancer, familial, susceptibility to, 2 (BROVCA2). Also called: BRCA2 Hereditary Breast and Ovarian Cancer. Identifiers: Orphanet 145, MedGen C2675520, MONDO:0012933, OMIM 612555. Disease mechanism: loss of function.

Submissions (2):

Evidence-based Network for the Interpretation of Germline Mutant Alleles (ENIGMA)
Classification: Likely benign for Breast-ovarian cancer, familial, susceptibility to, 2. Last evaluated: 2017-06-29. Review status: reviewed by expert panel. Criteria: ENIGMA BRCA1/2 Classification Criteria (2017-06-29). Collection method: curation. Allele origin: germline.
Comment: Synonymous substitution variant, with low bioinformatic likelihood to result in a splicing aberration (Splicing prior probability 0.02).

Breast Cancer Information Core (BIC) (BRCA2)
Classification: Benign for Breast-ovarian cancer, familial 2. Last evaluated: 2010-09-18. Review status: no assertion criteria provided. Collection method: clinical testing. Allele origin: germline. Affected: yes. Observed: 1 variant allele. Not counted in ClinVar's aggregate classification.